The following is an entry in ClinVar:

NM_004364.5(CEBPA):c.1000G>T (p.Glu334Ter)

Gene: CEBPA (CCAAT enhancer binding protein alpha; minus strand). Cytogenetic location: 19q13.11.
Variant type: single nucleotide variant.
Coding change: c.1000G>T on transcript NM_004364.5 (MANE Select); coding-DNA position 1000, G replaced by T.
Protein change: p.Glu334Ter; replaces glutamic acid 334 with a stop codon.
Molecular consequence: nonsense.
Genome position (GRCh38, 1-based): chr19:33,301,415, C>A on the plus strand (G>T on the coding strand, the complement: CEBPA is on the minus strand). VCF-style: chr19-33301415-C-A. GRCh37 (hg19) VCF-style: chr19-33792321-C-A.
Other names: c.643G>T, p.Glu215Ter (NM_001285829.2); c.1105G>T, p.Glu369Ter (NM_001287424.2); c.958G>T, p.Glu320Ter (NM_001287435.2); short protein forms E334*, E369*, E215*, E320*.
Identifiers: ClinVar variation 2916816 (VCV002916816.3), dbSNP rs369632687, ClinGen allele CA405273747.

ClinVar aggregate classification (germline): Uncertain significance (1 of 4 stars; one submission).

Conditions:
Acute myeloid leukemia (AML). Also called: Acute myeloid leukemia, adult; AML adult; Acute non-lymphocytic leukemia; Acute granulocytic leukemia; Leukemia, acute myeloid, somatic; Leukemia, acute myelogenous, somatic. Identifiers: Orphanet 519, MedGen C0023467, MeSH D015470, MONDO:0018874, OMIM 601626, HP:0004808. Disease mechanism: Constitutively activated FLT3.

Submission:

Labcorp Genetics (formerly Invitae), Labcorp
Classification: Uncertain significance for Acute myeloid leukemia. Last evaluated: 2023-03-21. Review status: criteria provided, single submitter. Criteria: Invitae Variant Classification Sherloc (09022015). Collection method: clinical testing. Allele origin: germline.
Comment: Experimental studies and prediction algorithms are not available or were not evaluated, and the functional significance of this variant is currently unknown. In summary, the available evidence is currently insufficient to determine the role of this variant in disease. Therefore, it has been classified as a Variant of Uncertain Significance. This variant has not been reported in the literature in individuals affected with CEBPA-related conditions. This variant is not present in population databases (gnomAD no frequency). This sequence change creates a premature translational stop signal (p.Glu334*) in the CEBPA gene. While this is not anticipated to result in nonsense mediated decay, it is expected to disrupt the last 25 amino acid(s) of the CEBPA protein.